The following is an entry in ClinVar:

NM_170707.4(LMNA):c.1948A>C (p.Asn650His)

Gene: LMNA (lamin A/C; plus strand). Cytogenetic location: 1q22.
Variant type: single nucleotide variant.
Coding change: c.1948A>C on transcript NM_170707.4 (MANE Select); coding-DNA position 1948, A replaced by C.
Protein change: p.Asn650His; replaces asparagine 650 with histidine.
Molecular consequence: missense variant. On other transcripts: intron variant (1).
Genome position (GRCh38, 1-based): chr1:156,138,737, A>C. VCF-style: chr1-156138737-A-C. GRCh37 (hg19) VCF-style: chr1-156108528-A-C.
Other names: c.1612A>C, p.Asn538His (NM_001257374.3); c.1858A>C, p.Asn620His (NM_170708.4); c.1818+130A>C (NM_001282626.2); short protein forms N538H, N620H, N650H.
Identifiers: ClinVar variation 1311684 (VCV001311684.2), dbSNP rs2102902603, ClinGen allele CA342828166.

ClinVar aggregate classification (germline): Uncertain significance (1 of 4 stars; one submission).

Submission:

GeneDx
Classification: Uncertain significance. Last evaluated: 2020-01-06. Review status: criteria provided, single submitter. Criteria: GeneDx Variant Classification Process June 2021. Collection method: clinical testing. Allele origin: germline. Affected: yes.
Comment: Has not been previously published as pathogenic or benign to our knowledge; Not observed in large population cohorts (Lek et al., 2016); In silico analysis, which includes protein predictors and evolutionary conservation, supports that this variant does not alter protein structure/function